The following is an entry in ClinVar:

ClinVar aggregate classification (germline): Uncertain significance (1 of 4 stars; one submission).

Conditions:
Gorlin syndrome. Also called: Nevoid Basal Cell Carcinoma Syndrome; Basal cell nevus syndrome. Identifiers: Orphanet 377, MedGen C0004779, MONDO:0007187.
Medulloblastoma (MDB). Also called: MEDULLOBLASTOMA PREDISPOSITION SYNDROME; Medulloblastoma, somatic. Identifiers: Orphanet 616, MedGen C0025149, MeSH D008527, MONDO:0007959, OMIM 155255, HP:0002885.

Submission:

Labcorp Genetics (formerly Invitae), Labcorp
Classification: Uncertain significance for Gorlin syndrome; Medulloblastoma. Last evaluated: 2019-03-21. Review status: criteria provided, single submitter. Criteria: Invitae Variant Classification Sherloc (09022015). Collection method: clinical testing. Allele origin: germline.
Comment: The frequency data for this variant in the population databases is considered unreliable, as metrics indicate insufficient coverage at this position in the ExAC database. This sequence change falls in intron 10 of the SUFU gene. It does not directly change the encoded amino acid sequence of the SUFU protein, but it affects a nucleotide within the consensus splice site of the intron. This variant has not been reported in the literature in individuals with SUFU-related conditions. Nucleotide substitutions within the consensus splice site are a relatively common cause of aberrant splicing (PMID: 17576681, 9536098). Algorithms developed to predict the effect of sequence changes on RNA splicing suggest that this variant is not likely to affect RNA splicing, but this prediction has not been confirmed by published transcriptional studies. In summary, the available evidence is currently insufficient to determine the role of this variant in disease. Therefore, it has been classified as a Variant of Uncertain Significance.

Literature cited by the submitters: PubMed 17576681; PubMed 9536098.

NM_016169.4(SUFU):c.1296+4_1296+459del

Gene: SUFU (SUFU negative regulator of hedgehog signaling; plus strand). Cytogenetic location: 10q24.32.
Variant type: Deletion.
Coding change: c.1296+4_1296+459del on transcript NM_016169.4 (MANE Select); bases 4 to 459 of the intron after coding-DNA position 1296, 456 bases deleted.
Molecular consequence: splice donor variant.
Genome position (GRCh38, 1-based): chr10:102,617,432-102,617,887, 456 bases deleted. GRCh37 (hg19): chr10:104,377,189-104,377,644.
Other names: c.1296+4_1296+459del (NM_001178133.2).
Identifiers: ClinVar variation 858311 (VCV000858311.8), dbSNP rs2063698594, ClinGen allele CA916081620.